The following is an entry in ClinVar:

NM_003036.4(SKI):c.2186A>G (p.Ter729Trp)

Gene: SKI (SKI proto-oncogene; plus strand). Cytogenetic location: 1p36.32.
Variant type: single nucleotide variant.
Coding change: c.2186A>G on transcript NM_003036.4 (MANE Select); coding-DNA position 2186, A replaced by G.
Protein change: p.Ter729Trp.
Molecular consequence: stop lost.
Genome position (GRCh38, 1-based): chr1:2,306,764, A>G. VCF-style: chr1-2306764-A-G. GRCh37 (hg19) VCF-style: chr1-2238203-A-G.
Identifiers: ClinVar variation 3367457 (VCV003367457.1).

ClinVar aggregate classification (germline): Uncertain significance (1 of 4 stars; one submission).

Submission:

GeneDx
Classification: Uncertain significance. Last evaluated: 2024-01-02. Review status: criteria provided, single submitter. Criteria: GeneDx Variant Classification Process June 2021. Collection method: clinical testing. Allele origin: germline. Affected: yes.
Comment: Not observed at significant frequency in large population cohorts (gnomAD); Stop codon loss and change to a tryptophan codon, leading to protein extension and the addition of 50 amino acids at the C-terminus; Has not been previously published as pathogenic or benign to our knowledge